The following is an entry in ClinVar:

NM_000302.4(PLOD1):c.2141C>T (p.Thr714Ile)

Gene: PLOD1 (procollagen-lysine,2-oxoglutarate 5-dioxygenase 1; plus strand). Cytogenetic location: 1p36.22.
Variant type: single nucleotide variant.
Coding change: c.2141C>T on transcript NM_000302.4 (MANE Select); coding-DNA position 2141, C replaced by T.
Protein change: p.Thr714Ile; replaces threonine 714 with isoleucine.
Molecular consequence: missense variant.
Genome position (GRCh38, 1-based): chr1:11,974,765, C>T. VCF-style: chr1-11974765-C-T. GRCh37 (hg19) VCF-style: chr1-12034822-C-T.
Other names: c.2282C>T, p.Thr761Ile (NM_001316320.2); short protein forms T714I, T761I.
Identifiers: ClinVar variation 959867 (VCV000959867.12), dbSNP rs370498584, ClinGen allele CA598684.

ClinVar aggregate classification (germline): Uncertain significance. Review status: criteria provided, multiple submitters, no conflicts (2 of 4 stars). 2 submissions from 2 submitters: Uncertain significance (2). Last evaluated 2022-08-16.

Conditions:
Familial thoracic aortic aneurysm and aortic dissection (TAAD). Also called: Thoracic aortic aneurysms and dissections. Identifiers: Orphanet 91387, MedGen C4707243, MONDO:0019625.
Ehlers-Danlos syndrome, kyphoscoliotic type 1 (EDSKSCL1). Also called: Ehlers-Danlos syndrome, hydroxylysine-deficient; PLOD1-Related Kyphoscoliotic Ehlers-Danlos Syndrome; EHLERS-DANLOS SYNDROME, OCULAR-SCOLIOTIC TYPE; EHLERS-DANLOS SYNDROME, TYPE VIA. Identifiers: Orphanet 1900, MedGen C0268342, MONDO:0016002, OMIM 225400. Disease mechanism: loss of function.

Allele frequency attached by ClinVar (database versions not stated): gnomAD exomes below 0.00001 and 0.00001; ExAC 0.00002; gnomAD 0.00003; TOPMed 0.00003; ESP Exome Variant Server 0.00008.
gnomAD v4.1: 7 of 1,613,990 alleles (0.00043%); highest among the groups gnomAD compares: African/African-American, 0.0093%; no homozygotes.

Submissions (2):

Labcorp Genetics (formerly Invitae), Labcorp
Classification: Uncertain significance for Ehlers-Danlos syndrome, kyphoscoliotic type 1. Last evaluated: 2022-08-16. Review status: criteria provided, single submitter. Criteria: Invitae Variant Classification Sherloc (09022015). Collection method: clinical testing. Allele origin: germline.
Comment: ClinVar contains an entry for this variant (Variation ID: 959867). Algorithms developed to predict the effect of missense changes on protein structure and function are either unavailable or do not agree on the potential impact of this missense change (SIFT: "Deleterious"; PolyPhen-2: "Possibly Damaging"; Align-GVGD: "Class C0"). This variant has not been reported in the literature in individuals affected with PLOD1-related conditions. This variant is present in population databases (rs370498584, gnomAD 0.02%). This sequence change replaces threonine, which is neutral and polar, with isoleucine, which is neutral and non-polar, at codon 714 of the PLOD1 protein (p.Thr714Ile). In summary, the available evidence is currently insufficient to determine the role of this variant in disease. Therefore, it has been classified as a Variant of Uncertain Significance.

Ambry Genetics
Classification: Uncertain significance for Familial thoracic aortic aneurysm and aortic dissection. Last evaluated: 2022-06-02. Review status: criteria provided, single submitter. Criteria: Ambry Variant Classification Scheme 2023. Collection method: clinical testing. Allele origin: germline.
Comment: The p.T714I variant (also known as c.2141C>T), located in coding exon 19 of the PLOD1 gene, results from a C to T substitution at nucleotide position 2141. The threonine at codon 714 is replaced by isoleucine, an amino acid with similar properties. This amino acid position is conserved. In addition, this alteration is predicted to be deleterious by in silico analysis. Since supporting evidence is limited at this time, the clinical significance of this alteration remains unclear.